The following is an entry in ClinVar:

ClinVar aggregate classification (germline): Benign/Likely benign. Review status: criteria provided, multiple submitters, no conflicts (2 of 4 stars). 12 submissions from 12 submitters: Benign (10); Likely benign (1). 1 of the submissions does not count toward it. Last evaluated 2026-02-04.

Conditions:
Hereditary cancer-predisposing syndrome. Also called: Neoplastic Syndromes, Hereditary; Hereditary neoplastic syndrome; Hereditary Cancer Syndrome; Tumor predisposition. Identifiers: Orphanet 140162, MedGen C0027672, MeSH D009386, MONDO:0015356.
Mandibular hypoplasia-deafness-progeroid syndrome. Also called: Mandibular hypoplasia, deafness, progeroid features, and lipodystrophy syndrome. Identifiers: Orphanet 363649, MedGen C3715192, MONDO:0014157, OMIM 615381.
POLD1-related polyposis and colorectal cancer syndrome (CRCS10). Also called: Colorectal cancer, susceptibility to, 10; Colorectal cancer 10; COLORECTAL CANCER, SUSCEPTIBILITY TO, ON CHROMOSOME 19q. Identifiers: Orphanet 220460, MedGen C2675481, MONDO:0012953, OMIM 612591.

Allele frequency attached by ClinVar (database versions not stated): gnomAD 0.13898 and 0.13968; ESP Exome Variant Server 0.14870; TOPMed 0.15053; 1000 Genomes Project 0.18690; 1000 Genomes Project 30x 0.18957.
gnomAD v4.1: 148,211 of 1,613,850 alleles (9.2%); highest among the groups gnomAD compares: African/African-American, 30%; 9,681 homozygotes.

Submissions (12):

Labcorp Genetics (formerly Invitae), Labcorp
Classification: Benign for POLD1-related polyposis and colorectal cancer syndrome. Last evaluated: 2026-02-04. Review status: criteria provided, single submitter. Criteria: Invitae Variant Classification Sherloc (09022015). Collection method: clinical testing. Allele origin: germline.

Institute for Biomarker Research, Medical Diagnostic Laboratories, L.L.C.
Classification: Benign for Hereditary cancer-predisposing syndrome. Last evaluated: 2024-12-23. Review status: criteria provided, single submitter. Criteria: ACMG Guidelines, 2015. Collection method: clinical testing. Allele origin: germline.
Comment: The splice region variant NM_001308632.1(POLD1):c.463+8G>T has been reported to ClinVar as Benign/Likely benign with a status of (2 stars) criteria provided, multiple submitters, no conflicts (Variation ID 371890 as of 2024-12-05). The c.463+8G>T variant is not predicted to disrupt the existing donor splice site 6bp upstream by any splice site algorithm. The c.463+8G>T variant results in a substitution of a base that is not predicted conserved by GERP++ and PhyloP. For these reasons, this variant has been classified as Benign.

Unidad de Genómica Garrahan, Hospital de Pediatría Garrahan
Classification: Benign. Last evaluated: 2024-01-24. Review status: criteria provided, single submitter. Criteria: ACMG Guidelines, 2015. Collection method: clinical testing. Allele origin: germline. Affected: no. Observed: 21 variant alleles.
Comment: This variant is classified as Benign based on local population frequency. This variant was detected in 22% of patients studied by a panel of primary immunodeficiencies. Number of patients: 21. Only high quality variants are reported.

KCCC/NGS Laboratory, Kuwait Cancer Control Center
Classification: Benign for POLD1-related polyposis and colorectal cancer syndrome. Last evaluated: 2023-07-07. Review status: criteria provided, single submitter. Criteria: ACMG Guidelines, 2015. Collection method: clinical testing. Allele origin: germline. Affected: yes.

Mayo Clinic Laboratories, Mayo Clinic
Classification: Benign. Last evaluated: 2022-04-08. Review status: criteria provided, single submitter. Criteria: ACMG Guidelines, 2015. Collection method: clinical testing. Allele origin: germline. Observed: 129 variant alleles.

Genome-Nilou Lab
Classification: Benign for Mandibular hypoplasia-deafness-progeroid syndrome. Last evaluated: 2021-10-25. Review status: criteria provided, single submitter. Criteria: ACMG Guidelines, 2015. Collection method: clinical testing. Allele origin: germline. Affected: no.

PreventionGenetics, part of Exact Sciences
Classification: Benign. Last evaluated: 2016-11-02. Review status: criteria provided, single submitter. Criteria: ACMG Guidelines, 2015. Collection method: clinical testing. Allele origin: germline.

Women's Health and Genetics/Laboratory Corporation of America, LabCorp
Classification: Benign. Last evaluated: 2016-05-18. Review status: criteria provided, single submitter. Criteria: LabCorp Variant Classification Summary - May 2015. Collection method: clinical testing. Allele origin: germline.
Comment: Variant summary: The POLD1 c.463+8G>T variant involves the alteration of a non-conserved intronic nucleotide with 5/5 splice prediction tools predicting no significant impact on splicing, although these predictions have yet to be functionally assessed. This variant was observed in the large, broad control population, ExAC, with an allele frequency of 13864/121128 (1142 homozygotes, 1/8, frequency: 0.1144574), which significantly exceeds the estimated maximal expected allele frequency for a pathogenic POLD1 variant of 1/70422 (0.0000142), suggesting this variant is likely a benign polymorphism. The variant of interest has not, to our knowledge, been reported in affected individuals via publications and/or reputable databases/clinical diagnostic laboratories. Therefore, taking all available lines of evidence into consideration, the variant of interest is classified as Benign.

GeneDx
Classification: Benign. Last evaluated: 2015-11-06. Review status: criteria provided, single submitter. Criteria: GeneDx Variant Classification (06012015). Collection method: clinical testing. Allele origin: germline. Affected: yes.
Comment: This variant is considered likely benign or benign based on one or more of the following criteria: it is a conservative change, it occurs at a poorly conserved position in the protein, it is predicted to be benign by multiple in silico algorithms, and/or has population frequency not consistent with disease.

Ambry Genetics
Classification: Benign for Hereditary cancer-predisposing syndrome. Last evaluated: 2015-05-20. Review status: criteria provided, single submitter. Criteria: Ambry Variant Classification Scheme 2023. Collection method: clinical testing. Allele origin: germline.

Breakthrough Genomics
Classification: Likely benign. Review status: criteria provided, single submitter. Criteria: ACMG Guidelines, 2015. Collection method: not provided. Allele origin: germline. Inheritance: Autosomal dominant inheritance. Affected: yes.

Counsyl
Classification: Likely benign for POLD1-related polyposis and colorectal cancer syndrome. Last evaluated: 2016-07-20. Review status: no assertion criteria provided. Collection method: clinical testing. Allele origin: unknown. Not counted in ClinVar's aggregate classification.

NM_002691.4(POLD1):c.463+8G>T

Gene: POLD1 (DNA polymerase delta 1, catalytic subunit; plus strand). Cytogenetic location: 19q13.33.
Variant type: single nucleotide variant.
Coding change: c.463+8G>T on transcript NM_002691.4 (MANE Select); 8 bases into the intron after coding-DNA position 463, G replaced by T.
Molecular consequence: intron variant.
Genome position (GRCh38, 1-based): chr19:50,401,932, G>T. VCF-style: chr19-50401932-G-T. GRCh37 (hg19) VCF-style: chr19-50905189-G-T.
Other names: p.?; c.463+8G>T (LRG_785t2, NM_001308632.1, LRG_785t1 and 1 more transcripts).
Identifiers: ClinVar variation 371890 (VCV000371890.22), dbSNP rs1726802, ClinGen allele CA9595738.
Genomic context (GRCh38, chr19:50,401,932, plus strand): 5'-CTGCTGCCACATCCACGGCTTCGCTCCCTACTTCTACACCCCAGCGCCCCCTGGTGAGTG[G>T]CCCCTACCCAGCCCCTCCCTGAGCCACTGGAGCCCCCTGCACCTCTGATCATCCCTCCCA-3'